The following is an entry in ClinVar:

NM_006231.4(POLE):c.2672_2674del (p.Ser891del)

Gene: POLE (DNA polymerase epsilon, catalytic subunit; minus strand). Cytogenetic location: 12q24.33.
Variant type: Deletion.
Coding change: c.2672_2674del on transcript NM_006231.4 (MANE Select); coding-DNA positions 2672 to 2674, 3 bases deleted (CCT; older notation c.2672_2674delCCT).
Protein change: p.Ser891del; deletes serine 891.
Molecular consequence: inframe deletion.
Genome position (GRCh38, 1-based): chr12:132,664,036-132,664,038, AGG deleted on the plus strand (CCT on the coding strand, the reverse complement: POLE is on the minus strand); deleting any 3 consecutive bases within chr12:132,664,036-132,664,040 gives the same sequence; the c. name uses the placement nearest the transcript's 3' end. VCF-style (leftmost placement, unchanged base first): chr12-132664035-TAGG-T. GRCh37 (hg19) VCF-style: chr12-133240621-TAGG-T.
Other names: short protein forms S891del.
Identifiers: ClinVar variation 4671402 (VCV004671402.1).

ClinVar aggregate classification (germline): Uncertain significance (1 of 4 stars; one submission).

Conditions:
Hereditary cancer-predisposing syndrome. Also called: Neoplastic Syndromes, Hereditary; Tumor predisposition; Hereditary Cancer Syndrome; Hereditary neoplastic syndrome. Identifiers: Orphanet 140162, MedGen C0027672, MeSH D009386, MONDO:0015356.

Submission:

Ambry Genetics
Classification: Uncertain significance for Hereditary cancer-predisposing syndrome. Last evaluated: 2025-09-17. Review status: criteria provided, single submitter. Criteria: Ambry Variant Classification Scheme 2023. Collection method: clinical testing. Allele origin: germline.
Comment: The c.2672_2674delCCT variant (also known as p.S891del) is located in coding exon 23 of the POLE gene. This variant results from an in-frame CCT deletion at nucleotide positions 2672 to 2674. This results in the in-frame deletion of a serine at codon 891. This amino acid position is highly conserved in available vertebrate species. Based on the available evidence, the clinical significance of this variant remains unclear.